The following is an entry in ClinVar:

NM_015189.3(EXOC6B):c.1299T>G (p.Tyr433Ter)

Gene: EXOC6B (exocyst complex component 6B; minus strand). Cytogenetic location: 2p13.2.
Variant type: single nucleotide variant.
Coding change: c.1299T>G on transcript NM_015189.3 (MANE Select); coding-DNA position 1299, T replaced by G.
Protein change: p.Tyr433Ter; replaces tyrosine 433 with a stop codon.
Molecular consequence: nonsense. On other transcripts: non-coding transcript variant (2).
Genome position (GRCh38, 1-based): chr2:72,498,492, A>C on the plus strand (T>G on the coding strand, the complement: EXOC6B is on the minus strand). VCF-style: chr2-72498492-A-C. GRCh37 (hg19) VCF-style: chr2-72725621-A-C.
Other names: c.1299T>G, p.Tyr433Ter (NM_001321729.2, NM_001321730.2, NM_001321731.2 and 1 more transcripts); c.960T>G, p.Tyr320Ter (NM_001321734.2); short protein forms Y433*, Y320*.
Identifiers: ClinVar variation 421388 (VCV000421388.4), dbSNP rs1064795104, ClinGen allele CA16617751.

ClinVar aggregate classification (germline): Likely pathogenic. Review status: criteria provided, multiple submitters, no conflicts (2 of 4 stars). 2 submissions from 2 submitters: Likely pathogenic (2). Last evaluated 2018-03-20.

Submissions (2):

GeneDx
Classification: Likely pathogenic. Last evaluated: 2018-03-20. Review status: criteria provided, single submitter. Criteria: GeneDx Variant Classification (06012015). Collection method: clinical testing. Allele origin: germline. Affected: yes.
Comment: The Y433X variant in the EXOC6B gene has not been reported previously as a pathogenic variant nor as a benign variant, to our knowledge. This variant is predicted to cause loss of normal protein function either through protein truncation or nonsense-mediated mRNA decay. The Y433X variant was not observed in approximately 5900 individuals of European and African American ancestry in the NHLBI Exome Sequencing Project, indicating it is not a common benign variant in these populations. The Y433X variant is a strong candidate for a pathogenic variant, however the possibility it may be a rare benign variant cannot be excluded.

Geisinger Autism and Developmental Medicine Institute, Geisinger Health System
Classification: Likely pathogenic. Last evaluated: 2018-01-23. Review status: criteria provided, single submitter. Criteria: ACMG Guidelines, 2015. Collection method: provider interpretation, clinical testing. Allele origin: maternal. Observed: 1 variant allele.
Comment: Asymmetrical low-lying right cerebellar tonsil was also noted. This variant is absent from gnomAD and loss of normal protein function is predicted either through protein truncation or nonsense-mediated mRNA decay.

Literature cited by the submitters: PubMed 23422942 (cited by Geisinger Autism and Developmental Medicine Institute, Geisinger Health System); PubMed 25256811 (cited by Geisinger Autism and Developmental Medicine Institute, Geisinger Health System).